The following is an entry in ClinVar:

NM_005609.4(PYGM):c.808C>T (p.Arg270Ter)

Gene: PYGM (glycogen phosphorylase, muscle associated; minus strand). Cytogenetic location: 11q13.1.
Variant type: single nucleotide variant.
Coding change: c.808C>T on transcript NM_005609.4 (MANE Select); coding-DNA position 808, C replaced by T.
Protein change: p.Arg270Ter; replaces arginine 270 with a stop codon.
Molecular consequence: nonsense.
Genome position (GRCh38, 1-based): chr11:64,755,320, G>A on the plus strand (C>T on the coding strand, the complement: PYGM is on the minus strand). VCF-style: chr11-64755320-G-A. GRCh37 (hg19) VCF-style: chr11-64522792-G-A.
Other names: p.Arg270X; c.544C>T, p.Arg182Ter (NM_001164716.1); short protein forms R270*, R182*.
Identifiers: ClinVar variation 188824 (VCV000188824.32), dbSNP rs767739769, ClinGen allele CA274003.

ClinVar aggregate classification (germline): Pathogenic/Likely pathogenic. Review status: criteria provided, multiple submitters, no conflicts (2 of 4 stars). 12 submissions from 12 submitters: Pathogenic (9); Likely pathogenic (2). 1 of the submissions does not count toward it. Last evaluated 2026-04-21.

Conditions:
Acute rhabdomyolysis. Identifiers: MedGen C3807306, HP:0008942.
PYGM-related disorder. Also called: PYGM-related condition.
Glycogen storage disease, type V (GSD5). Also called: McArdle type glycogen storage disease; MCARDLE DISEASE; MUSCLE GLYCOGEN PHOSPHORYLASE DEFICIENCY; MYOPHOSPHORYLASE DEFICIENCY; PYGM DEFICIENCY. Identifiers: Orphanet 368, MedGen C0017924, MONDO:0009293, OMIM 232600.

Allele frequency attached by ClinVar (database versions not stated): ExAC 0.00002; TOPMed 0.00002; gnomAD exomes 0.00003 and 0.00004.
gnomAD v4.1: 53 of 1,614,120 alleles (0.0033%); highest among the groups gnomAD compares: Middle Eastern, 0.016%; no homozygotes.

Submissions (12):

PreventionGenetics, part of Exact Sciences
Classification: Pathogenic for PYGM-related condition. Last evaluated: 2026-04-21. Review status: criteria provided, single submitter. Criteria: ACMG Guidelines, 2015. Collection method: clinical testing. Allele origin: germline.
Comment: The PYGM c.808C>T variant is predicted to result in premature protein termination (p.Arg270*). This variant (also known as p.R269X) has been reported in the homozygous or compound heterozygous state in individuals with McArdle disease (Deschauer et al. 2001. PubMed ID: 11749054; Martín et al. 2004. PubMed ID: 14748827; Pizzamiglio et al. 2021. PubMed ID: 34534370) and has segregated with the disorder within one family (Hadjigeorgiou et al. 2002. PubMed ID: 12398832). This variant is reported in 0.0062% of alleles in individuals of African descent in gnomAD. Nonsense variants in PYGM are expected to be pathogenic. This variant is interpreted as pathogenic.

Labcorp Genetics (formerly Invitae), Labcorp
Classification: Pathogenic for Glycogen storage disease, type V. Last evaluated: 2026-01-19. Review status: criteria provided, single submitter. Criteria: Invitae Variant Classification Sherloc (09022015). Collection method: clinical testing. Allele origin: germline.
Comment: This sequence change creates a premature translational stop signal (p.Arg270*) in the PYGM gene. It is expected to result in an absent or disrupted protein product. Loss-of-function variants in PYGM are known to be pathogenic (PMID: 8316268, 16786513). This variant is present in population databases (rs767739769, gnomAD 0.007%). This premature translational stop signal has been observed in individuals with McArdle disease (PMID: 11749054, 12031624, 14748827, 16786513, 17404776, 19472443). This variant is also known as R269X. ClinVar contains an entry for this variant (Variation ID: 188824). For these reasons, this variant has been classified as Pathogenic.

Natera, Inc.
Classification: Pathogenic for Glycogen storage disease V. Last evaluated: 2025-11-06. Review status: criteria provided, single submitter. Criteria: Natera Variant Classification Schema (03/2026). Collection method: clinical testing. Allele origin: germline.
Comment: The c.808C>T variant in PYGM is a nonsense variant predicted to introduce a stop codon at amino acid 270. This variant is expected to result in nonsense mediated decay, truncation, or a dysfunctional protein product. This variant is rare in the general population with a frequency below the threshold expected for the associated phenotype(s). This variant has been observed in one or more individuals affected with the associated recessive disease, as either homozygous or compound heterozygous with a second variant (PMID: 19472443). Given the available evidence, this variant is classified as Pathogenic.

NHS Central & South Genomic Laboratory Hub
Classification: Pathogenic for Acute Rhabdomyolysis. Last evaluated: 2025-10-21. Review status: criteria provided, single submitter. Criteria: ACMG Guidelines, 2015. Collection method: clinical testing. Allele origin: germline. Affected: yes.

Women's Health and Genetics/Laboratory Corporation of America, LabCorp
Classification: Pathogenic for Glycogen storage disease, type V. Last evaluated: 2025-07-23. Review status: criteria provided, single submitter. Criteria: LabCorp Variant Classification Summary - May 2015. Collection method: clinical testing. Allele origin: germline.
Comment: Variant summary: PYGM c.808C>T (p.Arg270X) results in a premature termination codon, predicted to cause a truncation of the encoded protein or absence of the protein due to nonsense mediated decay, which are commonly known mechanisms for disease. The variant allele was found at a frequency of 2.8e-05 in 251430 control chromosomes. c.808C>T has been observed in individual(s) affected with McArdle disease (example: Pizzamiglio_2021). These data indicate that the variant is likely to be associated with disease. The following publication has been ascertained in the context of this evaluation (PMID: 34534370). ClinVar contains an entry for this variant (Variation ID: 188824). Based on the evidence outlined above, the variant was classified as pathogenic.

Fulgent Genetics
Classification: Likely pathogenic for Glycogen storage disease, type V. Last evaluated: 2024-06-20. Review status: criteria provided, single submitter. Criteria: ACMG Guidelines, 2015. Collection method: clinical testing. Allele origin: germline.

Baylor Genetics
Classification: Pathogenic for Glycogen storage disease, type V. Last evaluated: 2024-03-24. Review status: criteria provided, single submitter. Criteria: ACMG Guidelines, 2015. Collection method: clinical testing. Allele origin: unknown.

Blueprint Genetics
Classification: Pathogenic for PYGM-related disorders. Last evaluated: 2023-02-24. Review status: criteria provided, single submitter. Criteria: ACMG Guidelines, 2015. Collection method: clinical testing. Allele origin: germline. Affected: yes. Observed: 2 variant alleles.

GeneDx
Classification: Pathogenic. Last evaluated: 2021-06-22. Review status: criteria provided, single submitter. Criteria: GeneDx Variant Classification Process June 2021. Collection method: clinical testing. Allele origin: germline. Affected: yes.
Comment: Nonsense variant predicted to result in protein truncation or nonsense mediated decay in a gene for which loss-of-function is a known mechanism of disease; Not observed at significant frequency in large population cohorts (Lek et al., 2016); This variant is associated with the following publications: (PMID: 29350794, 25525159, 12031624, 27535533, 11749054)

Revvity Omics, Revvity
Classification: Pathogenic for Glycogen storage disease, type V. Last evaluated: 2020-03-10. Review status: criteria provided, single submitter. Criteria: ACMG Guidelines, 2015. Collection method: clinical testing. Allele origin: germline.

Laboratory for Molecular Medicine, Mass General Brigham Personalized Medicine
Classification: Likely pathogenic for Glycogen storage disease, type V. Last evaluated: 2018-07-05. Review status: criteria provided, single submitter. Criteria: LMM Criteria. Collection method: clinical testing. Allele origin: germline. Inheritance: Autosomal recessive inheritance. Observed: 1 variant allele.
Comment: The p.Arg270X variant in PYGM has been previously reported in 1 homozygous indiv idual with McArdle disease (Deshauer, 2001) and in ClinVar (Variation ID#188824) . This variant has also been identified in 0.005% (6/11690) of European chromoso mes by the Genome Aggregation Database (gnomAD ). Although this variant has been seen in the general population, its frequency is low enough to be consistent with a recessive carrier frequency. This nonsense variant leads to a premature termination codon at position 270, which is predic ted to lead to a truncated or absent protein. Biallelic loss of function of the PYGM gene is an established disease mechanism in McArdle disease (glycogen stora ge disease type V). In summary, although additional studies are required to full y establish its clinical significance, the p.Arg270X variant is likely pathogeni c. ACMG/AMP Criteria applied: PVS1, PM2.

Counsyl
Classification: Likely pathogenic for Glycogen storage disease, type V. Last evaluated: 2014-06-10. Review status: no assertion criteria provided. Collection method: literature only. Allele origin: unknown. Inheritance: Autosomal recessive inheritance. Not counted in ClinVar's aggregate classification.

Literature cited by the submitters: PubMed 8316268 (cited by Labcorp Genetics (formerly Invitae), Labcorp); PubMed 16786513 (cited by Labcorp Genetics (formerly Invitae), Labcorp and Counsyl); PubMed 11749054 (cited by 3 submitters); PubMed 12031624 (cited by Labcorp Genetics (formerly Invitae), Labcorp and Counsyl); PubMed 14748827 (cited by Labcorp Genetics (formerly Invitae), Labcorp and Counsyl); PubMed 17404776 (cited by Labcorp Genetics (formerly Invitae), Labcorp and Counsyl); PubMed 19472443 (cited by 3 submitters); PubMed 34534370 (cited by Women's Health and Genetics/Laboratory Corporation of America, LabCorp); PubMed 18641458 (cited by Counsyl).